The following is an entry in ClinVar:

ClinVar aggregate classification (germline): Uncertain significance (1 of 4 stars; one submission).

gnomAD v4.1: 3 of 1,613,244 alleles (0.00019%); highest among the groups gnomAD compares: Non-Finnish European, 0.00025%; no homozygotes.

Submission:

Labcorp Genetics (formerly Invitae), Labcorp
Classification: Uncertain significance. Last evaluated: 2025-10-05. Review status: criteria provided, single submitter. Criteria: Invitae Variant Classification Sherloc (09022015). Collection method: clinical testing. Allele origin: germline.
Comment: This sequence change replaces aspartic acid, which is acidic and polar, with valine, which is neutral and non-polar, at codon 65 of the IFITM5 protein (p.Asp65Val). This variant is not present in population databases (gnomAD no frequency). This variant has not been reported in the literature in individuals affected with IFITM5-related conditions. An algorithm developed to predict the effect of missense changes on protein structure and function (PolyPhen-2) suggests that this variant is likely to be disruptive. In summary, the available evidence is currently insufficient to determine the role of this variant in disease. Therefore, it has been classified as a Variant of Uncertain Significance.

NM_001025295.3(IFITM5):c.194A>T (p.Asp65Val)

Genes: IFITM5 (interferon induced transmembrane protein 5; minus strand), LOC130005046 (ATAC-STARR-seq lymphoblastoid active region 4259; plus strand). Cytogenetic location: 11p15.5.
Variant type: single nucleotide variant.
Coding change: c.194A>T on transcript NM_001025295.3 (MANE Select); coding-DNA position 194, A replaced by T.
Protein change: p.Asp65Val; replaces aspartic acid 65 with valine.
Molecular consequence: missense variant.
Genome position (GRCh38, 1-based): chr11:298,706, T>A on the plus strand (A>T on the coding strand, the complement: IFITM5 is on the minus strand). VCF-style: chr11-298706-T-A. GRCh37 (hg19) VCF-style: chr11-298706-T-A.
Other names: short protein forms D65V.
Identifiers: ClinVar variation 4764920 (VCV004764920.1).